The following is an entry in ClinVar:

NM_173598.6(KSR2):c.1419G>A (p.Glu473=)

Gene: KSR2 (kinase suppressor of ras 2; minus strand). Cytogenetic location: 12q24.22.
Variant type: single nucleotide variant.
Coding change: c.1419G>A on transcript NM_173598.6 (MANE Select); coding-DNA position 1419, G replaced by A.
Protein change: p.Glu473=; no amino-acid change (glutamic acid 473 retained).
Molecular consequence: synonymous variant.
Genome position (GRCh38, 1-based): chr12:117,555,268, C>T on the plus strand (G>A on the coding strand, the complement: KSR2 is on the minus strand). VCF-style: chr12-117555268-C-T. GRCh37 (hg19) VCF-style: chr12-117993073-C-T.
Other names: c.1332G>A (NM_173598.4).
Identifiers: ClinVar variation 3612693 (VCV003612693.3).
Genomic context (GRCh38, chr12:117,555,268, plus strand): 5'-GTGCAGGTCTGAATAGCGAGGTGGCTTCCGTAGAGGGTTGTTGATGTCACACGGAACGGA[C>T]TCTGTCCGGACTAACCTTGCTGGATCCGTAGGGGTAAAAACATTGATTTGGGAGTTTAAG-3'
Protein context (NP_775869.4, residues 463-483): RGDPARLVRT[Glu473=]SVPCDINNPL

ClinVar aggregate classification (germline): Likely benign. Review status: criteria provided, multiple submitters, no conflicts (2 of 4 stars). 2 submissions from 2 submitters: Likely benign (2). Last evaluated 2024-11-15.

Conditions:
KSR2-related disorder. Also called: KSR2-related condition.

gnomAD v4.1: 20 of 1,613,820 alleles (0.0012%); highest among the groups gnomAD compares: Non-Finnish European, 0.0017%; no homozygotes.

Submissions (2):

PreventionGenetics, part of Exact Sciences
Classification: Likely benign for KSR2-related condition. Last evaluated: 2024-11-15. Review status: criteria provided, single submitter. Criteria: ACMG Guidelines, 2015. Collection method: clinical testing. Allele origin: germline.
Comment: This variant is classified as likely benign based on ACMG/AMP sequence variant interpretation guidelines (Richards et al. 2015 PMID: 25741868, with internal and published modifications).

Labcorp Genetics (formerly Invitae), Labcorp
Classification: Likely benign. Last evaluated: 2024-09-19. Review status: criteria provided, single submitter. Criteria: Invitae Variant Classification Sherloc (09022015). Collection method: clinical testing. Allele origin: germline.